The following is an entry in ClinVar:

ClinVar aggregate classification (germline): Uncertain significance (1 of 4 stars; one submission).

Conditions:
Hereditary diffuse gastric adenocarcinoma (HDGC). Also called: DIFFUSE GASTRIC AND LOBULAR BREAST CANCER SYNDROME. Identifiers: Orphanet 26106, MedGen C1708349, MONDO:0007648, OMIM 137215.

Submission:

Labcorp Genetics (formerly Invitae), Labcorp
Classification: Uncertain significance for Hereditary diffuse gastric adenocarcinoma. Last evaluated: 2021-03-21. Review status: criteria provided, single submitter. Criteria: Invitae Variant Classification Sherloc (09022015). Collection method: clinical testing. Allele origin: germline.
Comment: This variant is not present in population databases (ExAC no frequency). In summary, the available evidence is currently insufficient to determine the role of this variant in disease. Therefore, it has been classified as a Variant of Uncertain Significance. Algorithms developed to predict the effect of missense changes on protein structure and function are either unavailable or do not agree on the potential impact of this missense change (SIFT: "Deleterious"; PolyPhen-2: "Possibly Damaging"; Align-GVGD: "Class C0"). This variant has not been reported in the literature in individuals with CDH1-related conditions. This sequence change replaces phenylalanine with isoleucine at codon 767 of the CDH1 protein (p.Phe767Ile). The phenylalanine residue is moderately conserved and there is a small physicochemical difference between phenylalanine and isoleucine.

NM_004360.5(CDH1):c.2299T>A (p.Phe767Ile)

Gene: CDH1 (cadherin 1; plus strand). Cytogenetic location: 16q22.1.
Variant type: single nucleotide variant.
Coding change: c.2299T>A on transcript NM_004360.5 (MANE Select); coding-DNA position 2299, T replaced by A.
Protein change: p.Phe767Ile; replaces phenylalanine 767 with isoleucine.
Molecular consequence: missense variant.
Genome position (GRCh38, 1-based): chr16:68,829,657, T>A. VCF-style: chr16-68829657-T-A. GRCh37 (hg19) VCF-style: chr16-68863560-T-A.
Other names: c.2116T>A, p.Phe706Ile (NM_001317184.2); c.751T>A, p.Phe251Ile (NM_001317185.2); c.334T>A, p.Phe112Ile (NM_001317186.2); short protein forms F251I, F706I, F767I, F112I.
Identifiers: ClinVar variation 1460595 (VCV001460595.8), dbSNP rs2152142212, ClinGen allele CA396470746.